The following is an entry in ClinVar:

NM_032608.7(MYO18B):c.4058G>A (p.Arg1353His)

Gene: MYO18B (myosin XVIIIB; plus strand). Cytogenetic location: 22q12.1.
Variant type: single nucleotide variant.
Coding change: c.4058G>A on transcript NM_032608.7 (MANE Select); coding-DNA position 4058, G replaced by A.
Protein change: p.Arg1353His; replaces arginine 1353 with histidine.
Molecular consequence: missense variant.
Genome position (GRCh38, 1-based): chr22:25,874,392, G>A. VCF-style: chr22-25874392-G-A. GRCh37 (hg19) VCF-style: chr22-26270359-G-A.
Other names: c.4061G>A, p.Arg1354His (NM_001318245.2); short protein forms R1353H, R1354H.
Identifiers: ClinVar variation 587454 (VCV000587454.7), dbSNP rs532777099, ClinGen allele CA10160738.
Genomic context (GRCh38, chr22:25,874,392, plus strand): 5'-AGAAGCTGGTATCTCAGAGCATCGTTCTCTTCCAGGCGGCTTGCAAGGGCTTTCTGTCTC[G>A]CCAGGAATTCAAGAAGCTGAAGGTACTGCATGCCGTTCCCATGAGGAGTCTGATCCAACG-3'
Protein context (NP_115997.5, residues 1343-1363): FQAACKGFLS[Arg1353His]QEFKKLKIRR

ClinVar aggregate classification (germline): Uncertain significance. Review status: criteria provided, multiple submitters, no conflicts (2 of 4 stars). 2 submissions from 2 submitters: Uncertain significance (2). Last evaluated 2022-03-14.

Conditions:
Klippel-Feil anomaly-myopathy-facial dysmorphism syndrome. Also called: Klippel-feil syndrome 4, autosomal recessive, with nemaline myopathy and facial dysmorphism; Klippel-Feil syndrome 4, autosomal recessive, with myopathy and facial dysmorphism. Identifiers: Orphanet 447974, MedGen C4225285, MONDO:0014689, OMIM 616549.

Allele frequency attached by ClinVar (database versions not stated): ExAC 0.00004; gnomAD exomes 0.00002; 1000 Genomes Project 0.00020; gnomAD 0.00005; TOPMed 0.00008; 1000 Genomes Project 30x 0.00016.
gnomAD v4.1: 27 of 1,613,810 alleles (0.0017%); highest among the groups gnomAD compares: African/African-American, 0.015%; no homozygotes.

Submissions (2):

Labcorp Genetics (formerly Invitae), Labcorp
Classification: Uncertain significance. Last evaluated: 2022-03-14. Review status: criteria provided, single submitter. Criteria: Invitae Variant Classification Sherloc (09022015). Collection method: clinical testing. Allele origin: germline.
Comment: This sequence change replaces arginine, which is basic and polar, with histidine, which is basic and polar, at codon 1353 of the MYO18B protein (p.Arg1353His). This variant is present in population databases (rs532777099, gnomAD 0.01%). This variant has not been reported in the literature in individuals affected with MYO18B-related conditions. ClinVar contains an entry for this variant (Variation ID: 587454). Algorithms developed to predict the effect of missense changes on protein structure and function are either unavailable or do not agree on the potential impact of this missense change (SIFT: "Not Available"; PolyPhen-2: "Probably Damaging"; Align-GVGD: "Not Available"). In summary, the available evidence is currently insufficient to determine the role of this variant in disease. Therefore, it has been classified as a Variant of Uncertain Significance.

Genomic Research Center, Shahid Beheshti University of Medical Sciences
Classification: Uncertain significance for Klippel-feil syndrome 4, autosomal recessive, with nemaline myopathy and facial dysmorphism. Last evaluated: 2018-08-07. Review status: criteria provided, single submitter. Criteria: ACMG Guidelines, 2015. Collection method: clinical testing. Allele origin: inherited. Affected: yes. Observed: 1 variant allele.